The following is an entry in ClinVar:

ClinVar aggregate classification (germline): Benign. Review status: criteria provided, multiple submitters, no conflicts (2 of 4 stars). 18 submissions from 17 submitters: Benign (17). 1 of the submissions does not count toward it. Last evaluated 2026-02-04.

Conditions:
Cardiovascular phenotype. Identifiers: MedGen CN230736.
Cardiomyopathy (CMYO). Also called: Cardiomyopathies. Identifiers: Orphanet 167848, MedGen C0878544, MONDO:0004994, HP:0001638. Inheritance: Various modes of inheritance.
Becker muscular dystrophy (BMD). Also called: MUSCULAR DYSTROPHY, PSEUDOHYPERTROPHIC PROGRESSIVE, BECKER TYPE; Becker Muscular Dystrophy (BMD). Identifiers: Orphanet 98895, MedGen C0917713, MONDO:0010311, OMIM 300376.
Duchenne muscular dystrophy (DMD). Also called: Duchenne Muscular Dystrophy (DMD); MUSCULAR DYSTROPHY, PSEUDOHYPERTROPHIC PROGRESSIVE, DUCHENNE TYPE. Identifiers: Orphanet 98896, MedGen C0013264, MONDO:0010679, OMIM 310200.
Dystrophin deficiency.
Dilated cardiomyopathy 3B (CMD3B). Also called: CMD3B: DMD-Related Dilated Cardiomyopathy; CARDIOMYOPATHY, DILATED, X-LINKED; DMD-Associated Dilated Cardiomyopathy. Identifiers: Orphanet 154, MedGen C3668940, MONDO:0010542, OMIM 302045.

Allele frequency attached by ClinVar (database versions not stated): gnomAD 0.15883 and 0.16172; TOPMed 0.16139; ESP Exome Variant Server 0.16788; gnomAD exomes 0.17002 and 0.19928; ExAC 0.17125; 1000 Genomes Project 30x 0.17607; 1000 Genomes Project 0.18119.
gnomAD v4.1: 236,867 of 1,209,378 alleles (20%); highest among the groups gnomAD compares: East Asian, 39%; 16,866 homozygotes.

Submissions (18):

Labcorp Genetics (formerly Invitae), Labcorp
Classification: Benign for Duchenne muscular dystrophy. Last evaluated: 2026-02-04. Review status: criteria provided, single submitter. Criteria: Invitae Variant Classification Sherloc (09022015). Collection method: clinical testing. Allele origin: germline.

ARUP Laboratories, Molecular Genetics and Genomics, ARUP Laboratories
Classification: Benign. Last evaluated: 2025-07-22. Review status: criteria provided, single submitter. Criteria: ARUP Molecular Germline Variant Investigation Process 2024. Collection method: clinical testing. Allele origin: germline.

Molecular Diagnostic Laboratory for Inherited Cardiovascular Disease, Montreal Heart Institute
Classification: Benign. Last evaluated: 2025-04-09. Review status: criteria provided, single submitter. Criteria: ACMG Guidelines, 2015. Collection method: clinical testing. Allele origin: germline. Affected: no.

Blueprint Genetics
Classification: Benign. Last evaluated: 2024-11-28. Review status: criteria provided, single submitter. Criteria: ACMG Guidelines, 2015. Collection method: clinical testing. Allele origin: germline.

Mayo Clinic Laboratories, Mayo Clinic
Classification: Benign. Last evaluated: 2022-12-26. Review status: criteria provided, single submitter. Criteria: ACMG Guidelines, 2015. Collection method: clinical testing. Allele origin: germline. Observed: 439 variant alleles.

Genome-Nilou Lab
Classification: Benign for Dilated cardiomyopathy 3B. Last evaluated: 2021-07-30. Review status: criteria provided, single submitter. Criteria: ACMG Guidelines, 2015. Collection method: clinical testing. Allele origin: germline. Affected: no.

Genome-Nilou Lab
Classification: Benign for Duchenne muscular dystrophy. Last evaluated: 2021-07-30. Review status: criteria provided, single submitter. Criteria: ACMG Guidelines, 2015. Collection method: clinical testing. Allele origin: germline. Affected: no.

Athena Diagnostics
Classification: Benign. Last evaluated: 2021-04-22. Review status: criteria provided, single submitter. Criteria: Athena Diagnostics Criteria. Collection method: clinical testing. Allele origin: unknown.

Women's Health and Genetics/Laboratory Corporation of America, LabCorp
Classification: Benign. Last evaluated: 2019-02-18. Review status: criteria provided, single submitter. Criteria: LabCorp Variant Classification Summary - May 2015. Collection method: clinical testing. Allele origin: germline.
Comment: Variant summary: DMD c.7728T>C alters a non-conserved nucleotide resulting in a synonymous change. 5/5 computational tools predict no significant impact on normal splicing. However, these predictions have yet to be confirmed by functional studies. The variant allele was found at a frequency of 0.17 in 204704 control chromosomes, predominantly within the East Asian subpopulation at a frequency of 0.35 in the gnomAD database, including 584 homozygotes and 1751 hemizygotes. The observed variant frequency within East Asian control individuals in the gnomAD database is approximately 30 fold of the estimated maximal expected allele frequency for a pathogenic variant in DMD causing Dystrophinopathies phenotype (0.011), strongly suggesting that the variant is a benign polymorphism. To our knowledge, no occurrence of c.7728T>C in individuals affected with Dystrophinopathies and no experimental evidence demonstrating its impact on protein function have been reported. Six ClinVar submissions from clinical diagnostic laboratories (evaluation after 2014) cite the variant as likely benign/benign. Based on the evidence outlined above, the variant was classified as benign.

Illumina Laboratory Services, Illumina
Classification: Benign for Dilated cardiomyopathy 3B. Last evaluated: 2018-01-13. Review status: criteria provided, single submitter. Criteria: ICSL Variant Classification Criteria 13 December 2019. Collection method: clinical testing. Allele origin: germline.
Comment: This variant was observed in the ICSL laboratory as part of a predisposition screen in an ostensibly healthy population. It had not been previously curated by ICSL or reported in the Human Gene Mutation Database (HGMD: prior to June 1st, 2018), and was therefore a candidate for classification through an automated scoring system. Utilizing variant allele frequency, disease prevalence and penetrance estimates, and inheritance mode, an automated score was calculated to assess if this variant is too frequent to cause the disease. Based on the score and internal cut-off values, a variant classified as benign is not then subjected to further curation. The score for this variant resulted in a classification of benign for this disease.

Phosphorus, Inc.
Classification: Benign for Duchenne muscular dystrophy. Last evaluated: 2017-08-01. Review status: criteria provided, single submitter. Criteria: ACMG Guidelines, 2015. Collection method: clinical testing. Allele origin: germline. Observed: 7 variant alleles.

Eurofins Ntd Llc (ga)
Classification: Benign. Last evaluated: 2016-08-03. Review status: criteria provided, single submitter. Criteria: EGL Classification Definitions 2015. Collection method: clinical testing. Allele origin: germline. Observed: 185 variant alleles, 84 heterozygotes, 20 homozygotes, 81 hemizygotes.

Ambry Genetics
Classification: Benign for Cardiovascular phenotype. Last evaluated: 2015-06-29. Review status: criteria provided, single submitter. Criteria: Ambry Variant Classification Scheme 2023. Collection method: clinical testing. Allele origin: germline.

Laboratory for Molecular Medicine, Mass General Brigham Personalized Medicine
Classification: Benign. Last evaluated: 2014-10-29. Review status: criteria provided, single submitter. Criteria: LMM Criteria. Collection method: clinical testing. Allele origin: germline. Observed: 161 variant alleles.
Comment: p.Asn2576Asn in exon 53 of DMD: This variant is not expected to have clinical si gnificance because it has been identified in 20% (1364/6728) of European America n chromosomes by the NHLBI Exome Sequencing Project (u/EVS/; dbSNP rs1801188).

GeneDx
Classification: Benign. Last evaluated: 2013-11-14. Review status: criteria provided, single submitter. Criteria: GeneDx Variant Classification (06012015). Collection method: clinical testing. Allele origin: germline. Affected: yes.
Comment: This variant is considered likely benign or benign based on one or more of the following criteria: it is a conservative change, it occurs at a poorly conserved position in the protein, it is predicted to be benign by multiple in silico algorithms, and/or has population frequency not consistent with disease.

Breakthrough Genomics
Classification: Benign. Review status: criteria provided, single submitter. Criteria: ACMG Guidelines, 2015. Collection method: not provided. Allele origin: germline. Inheritance: X-linked inheritance. Affected: yes.

PreventionGenetics, part of Exact Sciences
Classification: Benign. Review status: criteria provided, single submitter. Criteria: ACMG Guidelines, 2015. Collection method: clinical testing. Allele origin: germline.

Natera, Inc.
Classification: Benign for Becker muscular dystrophy; Cardiomyopathy; Duchenne muscular dystrophy; Dystrophin deficiency. Last evaluated: 2017-04-20. Review status: no assertion criteria provided. Collection method: clinical testing. Allele origin: germline. Not counted in ClinVar's aggregate classification.

Literature cited by the submitters: PubMed 23757202 (cited by Phosphorus, Inc.).

NM_004006.3(DMD):c.7728T>C (p.Asn2576=)

Gene: DMD (dystrophin; minus strand). Cytogenetic location: Xp21.1.
Variant type: single nucleotide variant.
Coding change: c.7728T>C on transcript NM_004006.3 (MANE Select); coding-DNA position 7728, T replaced by C.
Protein change: p.Asn2576=; no amino-acid change (asparagine 2576 retained).
Molecular consequence: synonymous variant.
Genome position (GRCh38, 1-based): chrX:31,679,519, A>G on the plus strand (T>C on the coding strand, the complement: DMD is on the minus strand). VCF-style: chrX-31679519-A-G. GRCh37 (hg19) VCF-style: chrX-31697636-A-G.
Other names: p.N2576N:AAT>AAC; p.Asn2576=; c.7704T>C, p.Asn2568= (NM_000109.4); c.7716T>C, p.Asn2572= (NM_004009.3); c.7359T>C, p.Asn2453= (NM_004010.3); c.3705T>C, p.Asn1235= (NM_004011.4); c.3696T>C, p.Asn1232= (NM_004012.4); c.348T>C, p.Asn116= (NM_004013.3, NM_004020.4, NM_004021.3 and 2 more transcripts).
Identifiers: ClinVar variation 94776 (VCV000094776.46), dbSNP rs1801188, ClinGen allele CA285604.